The following is an entry in ClinVar:

ClinVar aggregate classification (germline): Uncertain significance (1 of 4 stars; one submission).

Conditions:
Hereditary cancer-predisposing syndrome. Also called: Hereditary neoplastic syndrome; Neoplastic Syndromes, Hereditary; Tumor predisposition; Hereditary Cancer Syndrome. Identifiers: Orphanet 140162, MedGen C0027672, MeSH D009386, MONDO:0015356.

Submission:

Ambry Genetics
Classification: Uncertain significance for Hereditary cancer-predisposing syndrome. Last evaluated: 2022-10-14. Review status: criteria provided, single submitter. Criteria: Ambry Variant Classification Scheme 2023. Collection method: clinical testing. Allele origin: germline.
Comment: The c.61_62delAGinsGA variant (also known as p.R21E), located in coding exon 1 of the CDKN2A gene, results from an in-frame deletion of AG and insertion of GA at nucleotide positions 61 to 62. This results in the substitution of the arginine residue for a glutamic acid residue at codon 21, an amino acid with similar properties. This amino acid position is well conserved in available vertebrate species. In addition, the in silico prediction for this alteration is inconclusive (Choi Y et al. PLoS ONE. 2012; 7(10):e46688). Since supporting evidence is limited at this time, the clinical significance of this alteration remains unclear.

NM_058195.4(CDKN2A):c.61_62delinsGA (p.Arg21Glu)

Gene: CDKN2A (cyclin dependent kinase inhibitor 2A; minus strand). Cytogenetic location: 9p21.3.
Variant type: Indel.
Coding change: c.61_62delinsGA on transcript NM_058195.4 (MANE Plus Clinical); coding-DNA positions 61 to 62, AG replaced by GA.
Protein change: p.Arg21Glu; replaces arginine 21 with glutamic acid.
Molecular consequence: missense variant. On other transcripts: intron variant (1).
Genome position (GRCh38, 1-based): chr9:21,994,270-21,994,271, CT replaced by TC on the plus strand (AG replaced by GA on the coding strand, the reverse complement: CDKN2A is on the minus strand). VCF-style: chr9-21994270-CT-TC. GRCh37 (hg19) VCF-style: chr9-21994269-CT-TC.
Other names: c.-4+550_-4+551delinsGA (NM_001363763.2); short protein forms R21E.
Identifiers: ClinVar variation 1751628 (VCV001751628.2), dbSNP rs2489327871, ClinGen allele CA2580080301.